The following is an entry in ClinVar:

ClinVar aggregate classification (germline): Uncertain significance (1 of 4 stars; one submission).

Conditions:
Beckwith-Wiedemann syndrome (BWS). Also called: EMG SYNDROME; Exomphalos macroglossia gigantism syndrome. Identifiers: Orphanet 116, MedGen C0004903, MONDO:0007534, OMIM 130650.

Submission:

Labcorp Genetics (formerly Invitae), Labcorp
Classification: Uncertain significance for Beckwith-Wiedemann syndrome. Last evaluated: 2024-08-05. Review status: criteria provided, single submitter. Criteria: Invitae Variant Classification Sherloc (09022015). Collection method: clinical testing. Allele origin: germline.
Comment: This sequence change replaces glutamine, which is neutral and polar, with histidine, which is basic and polar, at codon 96 of the CDKN1C protein (p.Gln96His). This variant is not present in population databases (gnomAD no frequency). This variant has not been reported in the literature in individuals affected with CDKN1C-related conditions. ClinVar contains an entry for this variant (Variation ID: 1015883). Advanced modeling of protein sequence and biophysical properties (such as structural, functional, and spatial information, amino acid conservation, physicochemical variation, residue mobility, and thermodynamic stability) performed at Invitae indicates that this missense variant is not expected to disrupt CDKN1C protein function with a negative predictive value of 80%. In summary, the available evidence is currently insufficient to determine the role of this variant in disease. Therefore, it has been classified as a Variant of Uncertain Significance.

NM_001122630.2(CDKN1C):c.255G>T (p.Gln85His)

Gene: CDKN1C (cyclin dependent kinase inhibitor 1C; minus strand). Cytogenetic location: 11p15.4.
Variant type: single nucleotide variant.
Coding change: c.255G>T on transcript NM_001122630.2 (MANE Select); coding-DNA position 255, G replaced by T.
Protein change: p.Gln85His; replaces glutamine 85 with histidine.
Molecular consequence: missense variant.
Genome position (GRCh38, 1-based): chr11:2,885,202, C>A on the plus strand (G>T on the coding strand, the complement: CDKN1C is on the minus strand). VCF-style: chr11-2885202-C-A. GRCh37 (hg19) VCF-style: chr11-2906432-C-A.
Other names: c.288G>T, p.Gln96His (NM_000076.2, NM_001362474.2); c.255G>T, p.Gln85His (NM_001122631.2, NM_001362475.2); short protein forms Q85H, Q96H.
Identifiers: ClinVar variation 1015883 (VCV001015883.8), dbSNP rs1848968928, ClinGen allele CA379147067.